The following is an entry in ClinVar:

ClinVar aggregate classification (germline): Benign. Review status: criteria provided, multiple submitters, no conflicts (2 of 4 stars). 10 submissions from 10 submitters: Benign (7). 3 of the submissions do not count toward it. Last evaluated 2026-02-04.

Conditions:
Long QT syndrome 8. Identifiers: MedGen CN260585, MONDO:0032756, OMIM 618447.
Timothy syndrome (TS). Also called: LONG QT SYNDROME WITH SYNDACTYLY. Identifiers: Orphanet 65283, MedGen C1832916, MeSH C536962, MONDO:0010979, OMIM 601005.
Brugada syndrome 3 (BRGDA3). Identifiers: Orphanet 130, MedGen C2678478, MONDO:0012742, OMIM 611875.
Long QT syndrome (LQTS). Identifiers: MedGen C0023976, MeSH D008133, MONDO:0002442. Disease mechanism: loss of function. Inheritance: Various modes of inheritance.

Allele frequency attached by ClinVar (database versions not stated): gnomAD 0.02959 and 0.02977; ESP Exome Variant Server 0.03279; gnomAD exomes 0.02343 and 0.02454; 1000 Genomes Project 0.02536; ExAC 0.02550; 1000 Genomes Project 30x 0.02577; TOPMed 0.02940.
gnomAD v4.1: 31,717 of 1,264,380 alleles (2.5%); highest among the groups gnomAD compares: African/African-American, 4.9%; 539 homozygotes.

Submissions (10):

Labcorp Genetics (formerly Invitae), Labcorp
Classification: Benign for Long QT syndrome. Last evaluated: 2026-02-04. Review status: criteria provided, single submitter. Criteria: Invitae Variant Classification Sherloc (09022015). Collection method: clinical testing. Allele origin: germline.

Blueprint Genetics
Classification: Benign. Last evaluated: 2024-11-27. Review status: criteria provided, single submitter. Criteria: ACMG Guidelines, 2015. Collection method: clinical testing. Allele origin: germline.

Fulgent Genetics
Classification: Benign for Timothy syndrome; Brugada syndrome 3; Long QT syndrome 8. Last evaluated: 2021-09-01. Review status: criteria provided, single submitter. Criteria: ACMG Guidelines, 2015. Collection method: clinical testing. Allele origin: unknown.

Women's Health and Genetics/Laboratory Corporation of America, LabCorp
Classification: Benign. Last evaluated: 2019-06-11. Review status: criteria provided, single submitter. Criteria: LabCorp Variant Classification Summary - May 2015. Collection method: clinical testing. Allele origin: germline.
Comment: Variant summary: CACNA1C c.372-15G>A alters a conserved nucleotide located close to a canonical splice site and therefore could affect mRNA splicing, leading to a significantly altered protein sequence. 5/5 computational tools predict no significant impact on normal splicing. However, these predictions have yet to be confirmed by functional studies. The variant allele was found at a frequency of 0.023 in 248948 control chromosomes in the gnomAD database, including 99 homozygotes. The observed variant frequency is approximately 2343-folds higher than the estimated maximal expected allele frequency for a pathogenic variant in CACNA1C causing Arrhythmia phenotype (1e-05), strongly suggesting that the variant is benign. To our knowledge, no occurrence of c.372-15G>A in individuals affected with Arrhythmia and no experimental evidence demonstrating its impact on protein function have been reported. A ClinVar submission from a clinical diagnostic laboratory (evaluation after 2014) cite the variant as likely benign. Based on the evidence outlined above, the variant was classified as benign.

GeneDx
Classification: Benign. Last evaluated: 2015-03-03. Review status: criteria provided, single submitter. Criteria: GeneDx Variant Classification Process June 2021. Collection method: clinical testing. Allele origin: germline. Affected: yes.

Breakthrough Genomics
Classification: Benign. Review status: criteria provided, single submitter. Criteria: ACMG Guidelines, 2015. Collection method: not provided. Allele origin: germline. Inheritance: Autosomal dominant inheritance. Affected: yes.

PreventionGenetics, part of Exact Sciences
Classification: Benign. Review status: criteria provided, single submitter. Criteria: ACMG Guidelines, 2015. Collection method: clinical testing. Allele origin: germline.

Clinical Genetics, Academic Medical Center
Classification: Benign. Review status: no assertion criteria provided. Collection method: clinical testing. Allele origin: germline. Affected: yes. Study: VKGL Data-share Consensus. Not counted in ClinVar's aggregate classification.

Genome Diagnostics Laboratory, University Medical Center Utrecht
Classification: Benign. Review status: no assertion criteria provided. Collection method: clinical testing. Allele origin: germline. Affected: yes. Study: VKGL Data-share Consensus. Not counted in ClinVar's aggregate classification.

Joint Genome Diagnostic Labs from Nijmegen and Maastricht, Radboudumc and MUMC+
Classification: Benign. Review status: no assertion criteria provided. Collection method: clinical testing. Allele origin: germline. Affected: yes. Study: VKGL Data-share Consensus. Not counted in ClinVar's aggregate classification.

NM_000719.7(CACNA1C):c.372-15G>A

Gene: CACNA1C (calcium voltage-gated channel subunit alpha1 C; plus strand). Cytogenetic location: 12p13.33.
Variant type: single nucleotide variant.
Coding change: c.372-15G>A on transcript NM_000719.7 (MANE Select); 15 bases into the intron before coding-DNA position 372, G replaced by A.
Molecular consequence: intron variant.
Genome position (GRCh38, 1-based): chr12:2,120,310, G>A. VCF-style: chr12-2120310-G-A. GRCh37 (hg19) VCF-style: chr12-2229476-G-A.
Other names: c.372-15G>A (NM_001167624.3, NM_001167623.2, NM_001167625.2 and 19 more transcripts).
Identifiers: ClinVar variation 35768 (VCV000035768.18), dbSNP rs55792866, ClinGen allele CA213535.
Genomic context (GRCh38, chr12:2,120,310, plus strand): 5'-TTTAAAAAATATGTAGATTATGTTTGTTTCACTTGTACTTTCTGTGGCATTAACTTCCTT[G>A]ACTCCCTTTCTCAGACCATTTGAAATAATTATTTTACTGACTATTTTTGCCAATTGTGTG-3'